The following is an entry in ClinVar:

ClinVar aggregate classification (germline): Uncertain significance (1 of 4 stars; one submission).

Conditions:
Hereditary cancer-predisposing syndrome. Also called: Tumor predisposition; Hereditary neoplastic syndrome; Hereditary Cancer Syndrome; Neoplastic Syndromes, Hereditary. Identifiers: Orphanet 140162, MedGen C0027672, MeSH D009386, MONDO:0015356.

Submission:

Ambry Genetics
Classification: Uncertain significance for Hereditary cancer-predisposing syndrome. Last evaluated: 2023-09-19. Review status: criteria provided, single submitter. Criteria: Ambry Variant Classification Scheme 2023. Collection method: clinical testing. Allele origin: germline.
Comment: The c.1937-1G>C intronic variant results from a G to C substitution one nucleotide upstream from coding exon 13 of the CDH1 gene. Alterations that disrupt the canonical splice site are expected to result in aberrant splicing. In silico splice site analysis predicts that this alteration will weaken the native splice acceptor site and may result in the creation or strengthening of a novel splice acceptor site. The resulting transcript is predicted to be in-frame and is not expected to trigger nonsense-mediated mRNA decay; however, direct evidence is unavailable. The exact functional effect of the altered amino acid sequence is unknown. This nucleotide position is not well conserved in available vertebrate species. Since supporting evidence is limited at this time, the clinical significance of this alteration remains unclear.

NM_004360.5(CDH1):c.1937-1G>C

Gene: CDH1 (cadherin 1; plus strand). Cytogenetic location: 16q22.1.
Variant type: single nucleotide variant.
Coding change: c.1937-1G>C on transcript NM_004360.5 (MANE Select); the canonical splice acceptor site of the intron before coding-DNA position 1937, G replaced by C.
Molecular consequence: splice acceptor variant.
Genome position (GRCh38, 1-based): chr16:68,823,398, G>C. VCF-style: chr16-68823398-G-C. GRCh37 (hg19) VCF-style: chr16-68857301-G-C.
Other names: c.389-1G>C (NM_001317185.2); c.-29-1G>C (NM_001317186.2); c.1754-1G>C (NM_001317184.2).
Identifiers: ClinVar variation 3224162 (VCV003224162.1), dbSNP rs2152139224, ClinGen allele CA396467495.
Genomic context (GRCh38, chr16:68,823,398, plus strand): 5'-TGGAATGAGCTTTTTATTTTCCTCCCCTGGTCTCATCATTTCTTTTTATTGCTTTCTCCA[G>C]CCCAAGAATCTATCATTTTGAAGCCAAAGATGGCCTTAGAGGTGGGTGACTACAAAATCA-3'